The following is an entry in ClinVar:

NM_002474.3(MYH11):c.5199C>T (p.Arg1733=)

Genes: NDE1 (nudE neurodevelopment protein 1; plus strand), MYH11 (myosin heavy chain 11; minus strand). Cytogenetic location: 16p13.11.
Variant type: single nucleotide variant.
Coding change: c.5199C>T on transcript NM_002474.3 (MANE Select); coding-DNA position 5199, C replaced by T.
Protein change: p.Arg1733=; no amino-acid change (arginine 1733 retained).
Molecular consequence: synonymous variant. On other transcripts: intron variant (2).
Genome position (GRCh38, 1-based): chr16:15,718,411, G>A on the plus strand (C>T on the coding strand, the complement: MYH11 is on the minus strand). VCF-style: chr16-15718411-G-A. GRCh37 (hg19) VCF-style: chr16-15812268-G-A.
Other names: c.5220C>T, p.Arg1740= (NM_001040113.2, NM_001040114.2); c.5199C>T, p.Arg1733= (NM_022844.3); c.948-5780G>A (NM_001143979.2, NM_017668.3).
Identifiers: ClinVar variation 3075275 (VCV003075275.2), dbSNP rs2040284883, ClinGen allele CA493753005.

ClinVar aggregate classification (germline): Likely benign. Review status: criteria provided, multiple submitters, no conflicts (2 of 4 stars). 2 submissions from 2 submitters: Likely benign (2). Last evaluated 2025-08-26.

Conditions:
Aortic aneurysm, familial thoracic 4 (AAT4). Also called: AORTIC ANEURYSM/AORTIC DISSECTION AND PATENT DUCTUS ARTERIOSUS. Identifiers: MedGen C1851504, MONDO:0007568, OMIM 132900.
Familial thoracic aortic aneurysm and aortic dissection (TAAD). Also called: Thoracic aortic aneurysms and dissections. Identifiers: Orphanet 91387, MedGen C4707243, MONDO:0019625.

Allele frequency attached by ClinVar (database versions not stated): TOPMed below 0.00001; gnomAD 0.00001.
gnomAD v4.1: 1 of 1,587,916 alleles (0.000063%); highest among the groups gnomAD compares: African/African-American, 0.0013%; no homozygotes.

Submissions (2):

Labcorp Genetics (formerly Invitae), Labcorp
Classification: Likely benign for Aortic aneurysm, familial thoracic 4. Last evaluated: 2025-08-26. Review status: criteria provided, single submitter. Criteria: Invitae Variant Classification Sherloc (09022015). Collection method: clinical testing. Allele origin: germline.

All of Us Research Program, National Institutes of Health
Classification: Likely benign for Familial thoracic aortic aneurysm and aortic dissection. Last evaluated: 2024-01-03. Review status: criteria provided, single submitter. Criteria: ACMG Guidelines, 2015. Collection method: clinical testing. Allele origin: germline. Inheritance: Autosomal dominant inheritance. Observed: 1 variant allele, 1 heterozygote.
Comment: This study involves interpretation of variants in research participants for the purpose of population health screening. Participant phenotype was not available at the time of variant classification. Additional details can be found in publication PMID: 35346344, PMCID: PMC8962531